The following is an entry in ClinVar:

NM_001364905.1(LRBA):c.7492A>G (p.Ile2498Val)

Gene: LRBA (LPS responsive beige-like anchor protein; minus strand). Cytogenetic location: 4q31.3.
Variant type: single nucleotide variant.
Coding change: c.7492A>G on transcript NM_001364905.1 (MANE Select); coding-DNA position 7492, A replaced by G.
Protein change: p.Ile2498Val; replaces isoleucine 2498 with valine.
Molecular consequence: missense variant.
Genome position (GRCh38, 1-based): chr4:150,321,329, T>C on the plus strand (A>G on the coding strand, the complement: LRBA is on the minus strand). VCF-style: chr4-150321329-T-C. GRCh37 (hg19) VCF-style: chr4-151242481-T-C.
Other names: c.7492A>G, p.Ile2498Val (NM_001199282.3); c.7507A>G, p.Ile2503Val (NM_001367550.1); c.7525A>G, p.Ile2509Val (NM_006726.5); short protein forms I2498V, I2503V, I2509V.
Identifiers: ClinVar variation 934187 (VCV000934187.9), dbSNP rs781277906, ClinGen allele CA108320707.
Genomic context (GRCh38, chr4:150,321,329, plus strand): 5'-GCTGGGTGTTGGCTGCCACGTGAGTAACAGGGGAGTTGGAGGGAAACTTGAGGACCATGA[T>C]AACATCCTGCTGGGCTTTGTCTGTGAACATCAATGGACTCTGCAGGAGGAGATACTGTTG-3'
Protein context (NP_001351834.1, residues 2488-2508): MFTDKAQQDV[Ile2498Val]MVLKFPSNSP

ClinVar aggregate classification (germline): Uncertain significance (1 of 4 stars; one submission).

Conditions:
Combined immunodeficiency due to LRBA deficiency. Also called: Common variable immunodeficiency 8, with autoimmunity. Identifiers: Orphanet 445018, MedGen C3553512, MONDO:0013863, OMIM 614700.

Allele frequency attached by ClinVar (database versions not stated): gnomAD 0.00001; TOPMed 0.00001.
gnomAD v4.1: 1 of 1,606,052 alleles (0.000062%); highest among the groups gnomAD compares: Non-Finnish European, 0.000085%; no homozygotes.

Submission:

Labcorp Genetics (formerly Invitae), Labcorp
Classification: Uncertain significance for Combined immunodeficiency due to LRBA deficiency. Last evaluated: 2021-06-16. Review status: criteria provided, single submitter. Criteria: Invitae Variant Classification Sherloc (09022015). Collection method: clinical testing. Allele origin: germline.
Comment: In summary, the available evidence is currently insufficient to determine the role of this variant in disease. Therefore, it has been classified as a Variant of Uncertain Significance. This sequence change replaces isoleucine with valine at codon 2509 of the LRBA protein (p.Ile2509Val). The isoleucine residue is weakly conserved and there is a small physicochemical difference between isoleucine and valine. This variant is not present in population databases (ExAC no frequency). This variant has not been reported in the literature in individuals with LRBA-related conditions. Algorithms developed to predict the effect of missense changes on protein structure and function are either unavailable or do not agree on the potential impact of this missense change (SIFT: "Tolerated"; PolyPhen-2: "Probably Damaging"; Align-GVGD: "Class C0").